The following is an entry in ClinVar:

ClinVar aggregate classification (germline): Uncertain significance. Review status: criteria provided, multiple submitters, no conflicts (2 of 4 stars). 2 submissions from 2 submitters: Uncertain significance (2). Last evaluated 2025-02-28.

Conditions:
Cardiovascular phenotype. Identifiers: MedGen CN230736.
RASopathy. Also called: Noonan spectrum disorder; rasopathies. Identifiers: Orphanet 536391, MedGen C5555857, MONDO:0021060.

Allele frequency attached by ClinVar (database versions not stated): gnomAD exomes below 0.00001; TOPMed below 0.00001; gnomAD 0.00001.
gnomAD v4.1: 3 of 1,613,724 alleles (0.00019%); highest among the groups gnomAD compares: Admixed American, 0.005%; no homozygotes.

Submissions (2):

Ambry Genetics
Classification: Uncertain significance for Cardiovascular phenotype. Last evaluated: 2025-02-28. Review status: criteria provided, single submitter. Criteria: Ambry Variant Classification Scheme 2023. Collection method: clinical testing. Allele origin: germline.
Comment: The p.K124N variant (also known as c.372G>C), located in coding exon 2 of the CBL gene, results from a G to C substitution at nucleotide position 372. The lysine at codon 124 is replaced by asparagine, an amino acid with similar properties. This amino acid position is conserved. In addition, this alteration is predicted to be tolerated by in silico analysis. Based on the available evidence, the clinical significance of this variant remains unclear.

Labcorp Genetics (formerly Invitae), Labcorp
Classification: Uncertain significance for RASopathy. Last evaluated: 2024-09-09. Review status: criteria provided, single submitter. Criteria: Invitae Variant Classification Sherloc (09022015). Collection method: clinical testing. Allele origin: germline.
Comment: This sequence change replaces lysine, which is basic and polar, with asparagine, which is neutral and polar, at codon 124 of the CBL protein (p.Lys124Asn). This variant is present in population databases (no rsID available, gnomAD 0.003%). This variant has not been reported in the literature in individuals affected with CBL-related conditions. ClinVar contains an entry for this variant (Variation ID: 1987129). Invitae Evidence Modeling of protein sequence and biophysical properties (such as structural, functional, and spatial information, amino acid conservation, physicochemical variation, residue mobility, and thermodynamic stability) indicates that this missense variant is not expected to disrupt CBL protein function with a negative predictive value of 95%. In summary, the available evidence is currently insufficient to determine the role of this variant in disease. Therefore, it has been classified as a Variant of Uncertain Significance.

NM_005188.4(CBL):c.372G>C (p.Lys124Asn)

Gene: CBL (Cbl proto-oncogene; plus strand). Cytogenetic location: 11q23.3.
Variant type: single nucleotide variant.
Coding change: c.372G>C on transcript NM_005188.4 (MANE Select); coding-DNA position 372, G replaced by C.
Protein change: p.Lys124Asn; replaces lysine 124 with asparagine.
Molecular consequence: missense variant.
Genome position (GRCh38, 1-based): chr11:119,232,624, G>C. VCF-style: chr11-119232624-G-C. GRCh37 (hg19) VCF-style: chr11-119103334-G-C.
Other names: c.372G>C (NM_005188.2); short protein forms K124N.
Identifiers: ClinVar variation 1987129 (VCV001987129.5), dbSNP rs1269425522, ClinGen allele CA382895446.